The following is an entry in ClinVar:

NM_007294.4(BRCA1):c.1859T>C (p.Ile620Thr)

Gene: BRCA1 (BRCA1 DNA repair associated; minus strand). Cytogenetic location: 17q21.31.
Variant type: single nucleotide variant.
Coding change: c.1859T>C on transcript NM_007294.4 (MANE Select); coding-DNA position 1859, T replaced by C.
Protein change: p.Ile620Thr; replaces isoleucine 620 with threonine.
Molecular consequence: missense variant. On other transcripts: intron variant (137).
Genome position (GRCh38, 1-based): chr17:43,093,672, A>G on the plus strand (T>C on the coding strand, the complement: BRCA1 is on the minus strand). VCF-style: chr17-43093672-A-G. GRCh37 (hg19) VCF-style: chr17-41245689-A-G.
Other names: c.577+1072T>C (NM_001408484.1, NM_001408478.1, NM_001408483.1 and 9 more transcripts); c.661+1072T>C (NM_001408450.1, NM_001408434.1, NM_001408447.1 and 6 more transcripts); c.784+1072T>C (NM_001408398.1, NM_001407992.1, NM_001408392.1 and 13 more transcripts); c.664+1072T>C (NM_001408440.1, NM_001408428.1, NM_001408441.1 and 12 more transcripts); c.670+2174T>C (NM_001408418.1, NM_001408423.1, NM_001408420.1 and 2 more transcripts); c.787+1072T>C (NM_001407978.1, NM_001407979.1, NM_001407977.1 and 19 more transcripts); c.643+1072T>C (NM_001408462.1, NM_001408470.1, NM_001408464.1 and 3 more transcripts); c.709+1072T>C (NM_001408414.1, NM_001408415.1, NM_001408411.1 and 2 more transcripts); and 40 more; short protein forms I452T, I531T, I550T, I572T, I619T, I620T, I324T, I509T.
Identifiers: ClinVar variation 1781463 (VCV001781463.4), dbSNP rs1555591085, ClinGen allele CA10598301.

ClinVar aggregate classification (germline): Conflicting classifications of pathogenicity. Review status: criteria provided, conflicting classifications (1 of 4 stars). 2 submissions from 2 submitters: Uncertain significance (1); Likely benign (1). Last evaluated 2023-03-23.

Conditions:
Hereditary cancer-predisposing syndrome. Also called: Neoplastic Syndromes, Hereditary; Tumor predisposition; Hereditary Cancer Syndrome; Hereditary neoplastic syndrome. Identifiers: Orphanet 140162, MedGen C0027672, MeSH D009386, MONDO:0015356.

Submissions (2):

University of Washington Department of Laboratory Medicine, University of Washington
Classification: Likely benign for Hereditary cancer-predisposing syndrome. Last evaluated: 2023-03-23. Review status: criteria provided, single submitter. Criteria: Dines et al. (Genet Med. 2020). Collection method: curation. Allele origin: germline.
Comment: Missense variant in a coldspot region where missense variants are very unlikely to be pathogenic (PMID:31911673).

BRCA1 coldspot (exon 11 using historical exon numbering). Reclassification based on statistical prior probability

Ambry Genetics
Classification: Uncertain significance for Hereditary cancer-predisposing syndrome. Last evaluated: 2020-08-25. Review status: criteria provided, single submitter. Criteria: Ambry Variant Classification Scheme 2023. Collection method: clinical testing. Allele origin: germline.
Comment: The p.I620T variant (also known as c.1859T>C), located in coding exon 9 of the BRCA1 gene, results from a T to C substitution at nucleotide position 1859. The isoleucine at codon 620 is replaced by threonine, an amino acid with similar properties. This amino acid position is not well conserved in available vertebrate species. In addition, the in silico prediction for this alteration is inconclusive. Since supporting evidence is limited at this time, the clinical significance of this alteration remains unclear.